The following is an entry in ClinVar:

NM_001267550.2(TTN):c.96599C>T (p.Ser32200Leu)

Genes: TTN (titin; minus strand), TTN-AS1 (TTN antisense RNA 1; plus strand), LOC126806421 (CDK7 strongly-dependent group 2 enhancer GRCh37_chr2:179407630-179408829; plus strand). Cytogenetic location: 2q31.2.
Variant type: single nucleotide variant.
Coding change: c.96599C>T on transcript NM_001267550.2 (MANE Select); coding-DNA position 96599, C replaced by T.
Protein change: p.Ser32200Leu; replaces serine 32200 with leucine.
Molecular consequence: missense variant.
Genome position (GRCh38, 1-based): chr2:178,543,374, G>A on the plus strand (C>T on the coding strand, the complement: TTN is on the minus strand). VCF-style: chr2-178543374-G-A. GRCh37 (hg19) VCF-style: chr2-179408101-G-A.
Other names: c.91676C>T, p.Ser30559Leu (NM_001256850.1); c.69404C>T, p.Ser23135Leu (NM_003319.4); c.88895C>T, p.Ser29632Leu (NM_133378.4); c.69779C>T, p.Ser23260Leu (NM_133432.3); c.69980C>T, p.Ser23327Leu (NM_133437.4); short protein forms S23135L, S23327L, S30559L, S23260L, S29632L, S32200L.
Identifiers: ClinVar variation 1756262 (VCV001756262.5), dbSNP rs2468929578, ClinGen allele CA349446688.
Genomic context (GRCh38, chr2:178,543,374, plus strand): 5'-GTAACAGTGGATTTGGTGACATCGACCACTTCTAGCTTTGCAGGCACCAAAGGCACTTCT[G>A]AGACCAGTACTGCATCAGATGTTTCACAAGGTTCTCCAATGCCATAAATATTTTCTGGCA-3'
Protein context (NP_001254479.2, residues 32190-32210): PCETSDAVLV[Ser32200Leu]EVPLVPAKLE

ClinVar aggregate classification (germline): Uncertain significance. Review status: criteria provided, multiple submitters, no conflicts (2 of 4 stars). 2 submissions from 2 submitters: Uncertain significance (2). Last evaluated 2022-04-05.

Conditions:
Cardiovascular phenotype. Identifiers: MedGen CN230736.

Allele frequency attached by ClinVar (database versions not stated): gnomAD exomes below 0.00001.
gnomAD v4.1: 6 of 1,613,860 alleles (0.00037%); highest among the groups gnomAD compares: Non-Finnish European, 0.00051%; no homozygotes.

Submissions (2):

Revvity Omics, Revvity
Classification: Uncertain significance. Last evaluated: 2022-04-05. Review status: criteria provided, single submitter. Criteria: ACMG Guidelines, 2015. Collection method: clinical testing. Allele origin: germline.

Ambry Genetics
Classification: Uncertain significance for Cardiovascular phenotype. Last evaluated: 2020-01-28. Review status: criteria provided, single submitter. Criteria: Ambry Variant Classification Scheme 2023. Collection method: clinical testing. Allele origin: germline.
Comment: The p.S23135L variant (also known as c.69404C>T), located in coding exon 174 of the TTN gene, results from a C to T substitution at nucleotide position 69404. The serine at codon 23135 is replaced by leucine, an amino acid with dissimilar properties. This amino acid position is not well conserved in available vertebrate species. In addition, this alteration is predicted to be tolerated by in silico analysis.Since supporting evidence is limited at this time, the clinical significance of this alteration remains unclear.